The following is an entry in ClinVar:

ClinVar aggregate classification (germline): Conflicting classifications of pathogenicity. Review status: criteria provided, conflicting classifications (1 of 4 stars). 4 submissions from 4 submitters: Uncertain significance (1); Likely benign (2). 1 of the submissions does not count toward it. Last evaluated 2026-01-28.

Conditions:
Pontocerebellar hypoplasia type 6 (PCH6). Identifiers: Orphanet 166073, MedGen C1969084, MONDO:0012683, OMIM 611523.

Allele frequency attached by ClinVar (database versions not stated): gnomAD 0.00001 and 0.00013; TOPMed 0.00002; gnomAD exomes 0.00020 and 0.00039; ExAC 0.00050; 1000 Genomes Project 30x 0.00141; 1000 Genomes Project 0.00180.
gnomAD v4.1: 311 of 1,612,456 alleles (0.019%); highest among the groups gnomAD compares: South Asian, 0.3%; 4 homozygotes.

Submissions (4):

Labcorp Genetics (formerly Invitae), Labcorp
Classification: Likely benign. Last evaluated: 2026-01-28. Review status: criteria provided, single submitter. Criteria: Invitae Variant Classification Sherloc (09022015). Collection method: clinical testing. Allele origin: germline.

Women's Health and Genetics/Laboratory Corporation of America, LabCorp
Classification: Likely benign. Last evaluated: 2025-11-11. Review status: criteria provided, single submitter. Criteria: LabCorp Variant Classification Summary - May 2015. Collection method: clinical testing. Allele origin: germline.
Comment: Variant summary: RARS2 c.1678C>T (p.Arg560Cys) results in a non-conservative amino acid change in the encoded protein sequence. Algorithms developed to predict the effect of missense changes on protein structure and function all suggest that this variant is likely to be disruptive. The variant allele was found at a frequency of 0.00039 in 251432 control chromosomes, predominantly at a frequency of 0.0029 within the South Asian subpopulation in the gnomAD database, including 1 homozygotes. The observed variant frequency within South Asian control individuals in the gnomAD database exceeds the estimated maximal expected allele frequency for disease-causing variants in RARS2. To our knowledge, no occurrence of c.1678C>T in individuals affected with RARS2-related conditions and no experimental evidence demonstrating its impact on protein function have been reported. ClinVar contains an entry for this variant (Variation ID: 766634). Based on the evidence outlined above, the variant was classified as likely benign.

GeneDx
Classification: Uncertain significance. Last evaluated: 2023-12-29. Review status: criteria provided, single submitter. Criteria: GeneDx Variant Classification Process June 2021. Collection method: clinical testing. Allele origin: germline. Affected: yes.
Comment: In silico analysis supports that this missense variant has a deleterious effect on protein structure/function; Has not been previously published as pathogenic or benign to our knowledge; This variant is associated with the following publications: (PMID: 27166760)

Natera, Inc.
Classification: Benign for Pontocerebellar hypoplasia, type 6. Last evaluated: 2020-01-17. Review status: no assertion criteria provided. Collection method: clinical testing. Allele origin: germline. Not counted in ClinVar's aggregate classification.

NM_020320.5(RARS2):c.1678C>T (p.Arg560Cys)

Gene: RARS2 (arginyl-tRNA synthetase 2, mitochondrial; minus strand). Cytogenetic location: 6q15.
Variant type: single nucleotide variant.
Coding change: c.1678C>T on transcript NM_020320.5 (MANE Select); coding-DNA position 1678, C replaced by T.
Protein change: p.Arg560Cys; replaces arginine 560 with cysteine.
Molecular consequence: missense variant. On other transcripts: non-coding transcript variant (23).
Genome position (GRCh38, 1-based): chr6:87,514,472, G>A on the plus strand (C>T on the coding strand, the complement: RARS2 is on the minus strand). VCF-style: chr6-87514472-G-A. GRCh37 (hg19) VCF-style: chr6-88224190-G-A.
Other names: c.1153C>T, p.Arg385Cys (NM_001318785.2, NM_001350506.2, NM_001350507.2 and 4 more transcripts); c.1678C>T, p.Arg560Cys (NM_001350505.2); short protein forms R385C, R560C.
Identifiers: ClinVar variation 766634 (VCV000766634.18), dbSNP rs562472225, ClinGen allele CA3916159.
Genomic context (GRCh38, chr6:87,514,472, plus strand): 5'-ATTACATCCTACATACAGGTGTTATTCCAAGAAGTTTCATTCCATTGGCTAGGACAGAAC[G>A]GACAGCTTTGAAAAGATGAAGTCTGGCCTACAAAATAAATCAAAGAATGATTTAAAATAT-3'
Protein context (NP_064716.2, residues 550-570): GARLHLFKAV[Arg560Cys]SVLANGMKLL